The following is an entry in ClinVar:

ClinVar aggregate classification (germline): Conflicting classifications of pathogenicity. Review status: criteria provided, conflicting classifications (1 of 4 stars). 5 submissions from 5 submitters: Uncertain significance (1); Likely benign (3). 1 of the submissions does not count toward it. Last evaluated 2025-12-16.

Conditions:
MYO3A-related disorder. Also called: MYO3A-related condition.

Allele frequency attached by ClinVar (database versions not stated): gnomAD exomes 0.00013 and 0.00037; ExAC 0.00042; 1000 Genomes Project 30x 0.00109; 1000 Genomes Project 0.00120; ESP Exome Variant Server 0.00131; gnomAD 0.00140 and 0.00150; TOPMed 0.00165.
gnomAD v4.1: 411 of 1,605,276 alleles (0.026%); highest among the groups gnomAD compares: African/African-American, 0.5%; 4 homozygotes.

Submissions (5):

Labcorp Genetics (formerly Invitae), Labcorp
Classification: Likely benign. Last evaluated: 2025-12-16. Review status: criteria provided, single submitter. Criteria: Invitae Variant Classification Sherloc (09022015). Collection method: clinical testing. Allele origin: germline.

GeneDx
Classification: Uncertain significance. Last evaluated: 2021-06-25. Review status: criteria provided, single submitter. Criteria: GeneDx Variant Classification Process June 2021. Collection method: clinical testing. Allele origin: germline. Affected: yes.
Comment: In-silico analysis, which includes splice predictors and evolutionary conservation, is inconclusive as to whether the variant alters gene splicing. In the absence of RNA/functional studies, the actual effect of this sequence change is unknown.; Has not been previously published as pathogenic or benign to our knowledge; This variant is associated with the following publications: (PMID: 27535533)

Eurofins Ntd Llc (ga)
Classification: Likely benign. Last evaluated: 2017-01-18. Review status: criteria provided, single submitter. Criteria: EGL Classification Definitions 2015. Collection method: clinical testing. Allele origin: germline. Observed: 1 variant allele, 1 heterozygote.

Laboratory for Molecular Medicine, Mass General Brigham Personalized Medicine
Classification: Likely benign. Last evaluated: 2013-03-13. Review status: criteria provided, single submitter. Criteria: LMM Criteria. Collection method: clinical testing. Allele origin: germline. Observed: 2 variant alleles.
Comment: Gln425Gln in Exon 13 of MYO3A: This variant is not expected to have clinical sig nificance because it does not alter an amino acid residue, and has been identifi ed in 0.4% (17/4406) of African American chromosomes from a broad population by the NHLBI Exome Sequencing Project (dbSNP rs77 562287).

PreventionGenetics, part of Exact Sciences
Classification: Likely benign for MYO3A-related condition. Last evaluated: 2019-09-26. Review status: no assertion criteria provided. Collection method: clinical testing. Allele origin: germline. Not counted in ClinVar's aggregate classification.
Comment: This variant is classified as likely benign based on ACMG/AMP sequence variant interpretation guidelines (Richards et al. 2015 PMID: 25741868, with internal and published modifications).

NM_017433.5(MYO3A):c.1275G>A (p.Gln425=)

Gene: MYO3A (myosin IIIA; plus strand). Cytogenetic location: 10p12.1.
Variant type: single nucleotide variant.
Coding change: c.1275G>A on transcript NM_017433.5 (MANE Select); coding-DNA position 1275, G replaced by A.
Protein change: p.Gln425=; no amino-acid change (glutamine 425 retained).
Molecular consequence: synonymous variant.
Genome position (GRCh38, 1-based): chr10:26,070,215, G>A. VCF-style: chr10-26070215-G-A. GRCh37 (hg19) VCF-style: chr10-26359144-G-A.
Identifiers: ClinVar variation 178463 (VCV000178463.20), dbSNP rs77562287, ClinGen allele CA182380.
Genomic context (GRCh38, chr10:26,070,215, plus strand): 5'-TCACATTTTTGCAATGGCTGACTTAGGATATCAATCTATGATAACATATAATTCAGATCA[G>A]GTAAGAAGAGTCTCCCATTCTTAGAAATTTACCTCTTAGTTACTTAAATGTCACTTAATT-3'
Protein context (NP_059129.3, residues 415-435): YQSMITYNSD[Gln425=]CIVISGESGA